The following is an entry in ClinVar:

ClinVar aggregate classification (germline): Uncertain significance (1 of 4 stars; one submission).

Submission:

Labcorp Genetics (formerly Invitae), Labcorp
Classification: Uncertain significance. Last evaluated: 2025-08-11. Review status: criteria provided, single submitter. Criteria: Invitae Variant Classification Sherloc (09022015). Collection method: clinical testing. Allele origin: germline.
Comment: This sequence change replaces lysine, which is basic and polar, with asparagine, which is neutral and polar, at codon 98 of the LRRC8A protein (p.Lys98Asn). This variant is present in population databases (no rsID available, gnomAD 0.002%). This variant has not been reported in the literature in individuals affected with LRRC8A-related conditions. An algorithm developed to predict the effect of missense changes on protein structure and function (PolyPhen-2) suggests that this variant is likely to be tolerated. In summary, the available evidence is currently insufficient to determine the role of this variant in disease. Therefore, it has been classified as a Variant of Uncertain Significance.

NM_019594.4(LRRC8A):c.294G>T (p.Lys98Asn)

Gene: LRRC8A (leucine rich repeat containing 8 VRAC subunit A; plus strand). Cytogenetic location: 9q34.11.
Variant type: single nucleotide variant.
Coding change: c.294G>T on transcript NM_019594.4 (MANE Select); coding-DNA position 294, G replaced by T.
Protein change: p.Lys98Asn; replaces lysine 98 with asparagine.
Molecular consequence: missense variant.
Genome position (GRCh38, 1-based): chr9:128,907,458, G>T. VCF-style: chr9-128907458-G-T. GRCh37 (hg19) VCF-style: chr9-131669737-G-T.
Other names: c.294G>T, p.Lys98Asn (NM_001127244.2, NM_001127245.2); short protein forms K98N.
Identifiers: ClinVar variation 4701928 (VCV004701928.1).
Genomic context (GRCh38, chr9:128,907,458, plus strand): 5'-GCCCACCTACCCCAACTCCACCATTCTGCCGACCCCTGACACGGGCCCCACAGGCATCAA[G>T]TATGACCTGGACCGGCACCAGTACAACTACGTGGACGCTGTGTGCTATGAGAACCGACTG-3'
Protein context (NP_062540.2, residues 88-108): PTPDTGPTGI[Lys98Asn]YDLDRHQYNY